The following is an entry in ClinVar:

NM_001242.5(CD27):c.635A>G (p.His212Arg)

Genes: CD27 (CD27 molecule; plus strand), CD27-AS1 (CD27 antisense RNA 1; minus strand), LOC130007242 (ATAC-STARR-seq lymphoblastoid active region 5859; plus strand). Cytogenetic location: 12p13.31.
Variant type: single nucleotide variant.
Coding change: c.635A>G on transcript NM_001242.5 (MANE Select); coding-DNA position 635, A replaced by G.
Protein change: p.His212Arg; replaces histidine 212 with arginine.
Molecular consequence: missense variant. On other transcripts: non-coding transcript variant (1).
Genome position (GRCh38, 1-based): chr12:6,450,991, A>G. VCF-style: chr12-6450991-A-G. GRCh37 (hg19) VCF-style: chr12-6560157-A-G.
Other names: short protein forms H212R.
Identifiers: ClinVar variation 540909 (VCV000540909.7), dbSNP rs755699729, ClinGen allele CA6407051.

ClinVar aggregate classification (germline): Uncertain significance (1 of 4 stars; one submission).

Conditions:
Lymphoproliferative syndrome 2 (LPFS2). Also called: CD27 DEFICIENCY; Combined immunodeficiency due to CD27 deficiency. Identifiers: Orphanet 238505, MedGen C3554540, MONDO:0014054, OMIM 615122.

Allele frequency attached by ClinVar (database versions not stated): TOPMed below 0.00001; gnomAD exomes 0.00002 and 0.00006; ExAC 0.00003.

Submission:

Labcorp Genetics (formerly Invitae), Labcorp
Classification: Uncertain significance for Lymphoproliferative syndrome 2. Last evaluated: 2023-07-27. Review status: criteria provided, single submitter. Criteria: Invitae Variant Classification Sherloc (09022015). Collection method: clinical testing. Allele origin: germline.
Comment: ClinVar contains an entry for this variant (Variation ID: 540909). This variant has not been reported in the literature in individuals affected with CD27-related conditions. This variant is present in population databases (rs755699729, gnomAD 0.004%). This sequence change replaces histidine, which is basic and polar, with arginine, which is basic and polar, at codon 212 of the CD27 protein (p.His212Arg). Advanced modeling of protein sequence and biophysical properties (such as structural, functional, and spatial information, amino acid conservation, physicochemical variation, residue mobility, and thermodynamic stability) performed at Invitae indicates that this missense variant is not expected to disrupt CD27 protein function. In summary, the available evidence is currently insufficient to determine the role of this variant in disease. Therefore, it has been classified as a Variant of Uncertain Significance.